The following is an entry in ClinVar:

ClinVar aggregate classification (germline): Uncertain significance. Review status: criteria provided, multiple submitters, no conflicts (2 of 4 stars). 3 submissions from 3 submitters: Uncertain significance (3). Last evaluated 2023-04-27.

Conditions:
Hereditary breast ovarian cancer syndrome. Also called: Hereditary breast and ovarian cancer syndrome; Hereditary breast and ovarian cancer syndrome (HBOC); Hereditary breast and/or ovarian cancer syndrome; Hereditary breast and ovarian cancer; Breast and ovarian cancer; BRCA1- and BRCA2-Associated Hereditary Breast and Ovarian Cancer. Identifiers: Orphanet 145, MedGen C0677776, MeSH D061325, MONDO:0003582. Disease mechanism: loss of function.

Submissions (3):

Labcorp Genetics (formerly Invitae), Labcorp
Classification: Uncertain significance for Hereditary breast ovarian cancer syndrome. Last evaluated: 2023-04-27. Review status: criteria provided, single submitter. Criteria: Invitae Variant Classification Sherloc (09022015). Collection method: clinical testing. Allele origin: germline.
Comment: This variant is not present in population databases (gnomAD no frequency). This sequence change falls in intron 8 of the BRCA2 gene. It does not directly change the encoded amino acid sequence of the BRCA2 protein. RNA analysis indicates that this variant induces altered splicing and may result in an absent or disrupted protein product. This variant has not been reported in the literature in individuals affected with BRCA2-related conditions. ClinVar contains an entry for this variant (Variation ID: 929010). Variants that disrupt the consensus splice site are a relatively common cause of aberrant splicing (PMID: 17576681, 9536098). Studies have shown that this variant results in skipping of exon 8 and introduces a premature termination codon (Invitae). The resulting mRNA is expected to undergo nonsense-mediated decay. In summary, the available evidence is currently insufficient to determine the role of this variant in disease. Therefore, it has been classified as a Variant of Uncertain Significance.

GeneDx
Classification: Uncertain significance. Last evaluated: 2022-12-29. Review status: criteria provided, single submitter. Criteria: GeneDx Variant Classification Process June 2021. Collection method: clinical testing. Allele origin: germline. Affected: yes.
Comment: Not observed at significant frequency in large population cohorts (gnomAD); In silico analysis supports that this variant does not alter splicing; Has not been previously published as pathogenic or benign to our knowledge; Also known as 909+6T>C

Women's Health and Genetics/Laboratory Corporation of America, LabCorp
Classification: Uncertain significance. Last evaluated: 2019-03-15. Review status: criteria provided, single submitter. Criteria: LabCorp Variant Classification Summary - May 2015. Collection method: clinical testing. Allele origin: germline.
Comment: Variant summary: BRCA2 c.681+6T>C alters a nucleotide located close to a canonical splice site and therefore could affect mRNA splicing, leading to a significantly altered protein sequence. Several computational tools predict a significant impact on normal splicing: One predict the variant abolishes a 5' splicing donor site. Three predict the variant weakens a 5' donor site. However, these predictions have yet to be confirmed by functional studies. The variant was absent in 237674 control chromosomes (gnomAD). The available data on variant occurrences in the general population are insufficient to allow any conclusion about variant significance. To our knowledge, no occurrence of c.681+6T>C in individuals affected with Hereditary Breast and Ovarian Cancer and no experimental evidence demonstrating its impact on protein function have been reported. No clinical diagnostic laboratories have submitted clinical-significance assessments for this variant to ClinVar after 2014. Based on the evidence outlined above, the variant was classified as uncertain significance.

Literature cited by the submitters: PubMed 17576681 (cited by Labcorp Genetics (formerly Invitae), Labcorp); PubMed 9536098 (cited by Labcorp Genetics (formerly Invitae), Labcorp).

NM_000059.4(BRCA2):c.681+6T>C

Gene: BRCA2 (BRCA2 DNA repair associated; plus strand). Cytogenetic location: 13q13.1.
Variant type: single nucleotide variant.
Coding change: c.681+6T>C on transcript NM_000059.4 (MANE Select); 6 bases into the intron after coding-DNA position 681, T replaced by C.
Molecular consequence: intron variant.
Genome position (GRCh38, 1-based): chr13:32,329,498, T>C. VCF-style: chr13-32329498-T-C. GRCh37 (hg19) VCF-style: chr13-32903635-T-C.
Identifiers: ClinVar variation 929010 (VCV000929010.11), dbSNP rs2072373896, ClinGen allele CA1139663096.